The following is an entry in ClinVar:

ClinVar aggregate classification (germline): Pathogenic (1 of 4 stars; one submission).

Conditions:
Asphyxiating thoracic dystrophy 3. Also called: SHORT-RIB THORACIC DYSPLASIA 3 WITH OR WITHOUT POLYDACTYLY; POLYDACTYLY WITH NEONATAL CHONDRODYSTROPHY, TYPE I; SHORT-RIB THORACIC DYSPLASIA 3/6 WITH POLYDACTYLY, DIGENIC; Short rib polydactyly syndrome 2B; Saldino-Noonan Syndrome. Identifiers: Orphanet 474, Orphanet 93269, Orphanet 93270, Orphanet 93271, MedGen C0036069, MONDO:0013127, OMIM 613091.

Submission:

Myriad Genetics, Inc.
Classification: Pathogenic for Asphyxiating thoracic dystrophy 3. Last evaluated: 2025-08-18. Review status: criteria provided, single submitter. Criteria: Myriad Autosomal Dominant, Autosomal Recessive and X-Linked Classification Criteria (2023). Collection method: clinical testing. Allele origin: unknown.
Comment: NM_001377.2(DYNC2H1):c.9664A>T(R3222*) is expected to be pathogenic in the context of DYNC2H1-related disorders. This variant is predicted to lead to an abnormal or absent protein product due to the creation of a premature termination codon in DYNC2H1, a gene where loss-of-function variants are known to be pathogenic. Please note: this variant was assessed in the context of healthy population screening.

NM_001377.3(DYNC2H1):c.9664A>T (p.Arg3222Ter)

Gene: DYNC2H1 (dynein cytoplasmic 2 heavy chain 1; plus strand). Cytogenetic location: 11q22.3.
Variant type: single nucleotide variant.
Coding change: c.9664A>T on transcript NM_001377.3 (MANE Select); coding-DNA position 9664, A replaced by T.
Protein change: p.Arg3222Ter; replaces arginine 3222 with a stop codon.
Molecular consequence: nonsense.
Genome position (GRCh38, 1-based): chr11:103,235,768, A>T. VCF-style: chr11-103235768-A-T. GRCh37 (hg19) VCF-style: chr11-103106497-A-T.
Other names: c.9664A>T, p.Arg3222Ter (NM_001080463.2); short protein forms R3222*.
Identifiers: ClinVar variation 5014882 (VCV005014882.1).